The following is an entry in ClinVar:

NM_001356.5(DDX3X):c.455C>T (p.Ser152Phe)

Gene: DDX3X (DEAD-box helicase 3 X-linked; plus strand). Cytogenetic location: Xp11.4.
Variant type: single nucleotide variant.
Coding change: c.455C>T on transcript NM_001356.5 (MANE Select); coding-DNA position 455, C replaced by T.
Protein change: p.Ser152Phe; replaces serine 152 with phenylalanine.
Molecular consequence: missense variant. On other transcripts: 5 prime UTR variant (1), non-coding transcript variant (1).
Genome position (GRCh38, 1-based): chrX:41,342,748, C>T. VCF-style: chrX-41342748-C-T. GRCh37 (hg19) VCF-style: chrX-41202001-C-T.
Other names: c.455C>T, p.Ser152Phe (NM_001193416.3); c.407C>T, p.Ser136Phe (NM_001193417.3); c.-104C>T (NM_001363819.1); short protein forms S136F, S152F.
Identifiers: ClinVar variation 1312093 (VCV001312093.2), dbSNP rs2147350825, ClinGen allele CA412766940.

ClinVar aggregate classification (germline): Uncertain significance (1 of 4 stars; one submission).

Submission:

GeneDx
Classification: Uncertain significance. Last evaluated: 2019-09-13. Review status: criteria provided, single submitter. Criteria: GeneDx Variant Classification Process June 2021. Collection method: clinical testing. Allele origin: germline. Affected: yes.
Comment: Not observed in large population cohorts (Lek et al., 2016); In silico analysis, which includes protein predictors and evolutionary conservation, supports a deleterious effect; In-silico splice predictors are inconclusive as to whether the variant alters gene splicing. In the absence of RNA/functional studies, the actual effect of this sequence change is unknown.; Has not been previously published as pathogenic or benign to our knowledge